The following is an entry in ClinVar:

ClinVar aggregate classification (germline): Conflicting classifications of pathogenicity. Review status: criteria provided, conflicting classifications (1 of 4 stars). 8 submissions from 8 submitters: Uncertain significance (6); Likely benign (2). Last evaluated 2026-01-16.

Conditions:
Ehlers-Danlos syndrome, classic type, 1 (EDSCL1). Also called: EHLERS-DANLOS SYNDROME, GRAVIS TYPE; EHLERS-DANLOS SYNDROME, SEVERE CLASSIC TYPE; Ehlers-Danlos syndrome, type 1; Ehlers-Danlos Syndrome, Classic Type, COL5A1-Related; EDS I. Identifiers: MedGen C0268335, MONDO:0019567, OMIM 130000.
Ehlers-Danlos syndrome, classic type, 2 (EDSCL2). Also called: Ehlers-Danlos syndrome, type 2; Ehlers-Danlos syndrome type 2 (formerly); Ehlers-Danlos Syndrome, Classic Type, COL5A2-Related. Identifiers: Orphanet 287, Orphanet 90318, MedGen C0268336, MONDO:0019568, OMIM 130010.
Familial thoracic aortic aneurysm and aortic dissection (TAAD). Also called: Thoracic aortic aneurysms and dissections. Identifiers: Orphanet 91387, MedGen C4707243, MONDO:0019625.

Allele frequency attached by ClinVar (database versions not stated): ExAC 0.00005; TOPMed 0.00005; gnomAD exomes 0.00006; gnomAD 0.00010; ESP Exome Variant Server 0.00015; 1000 Genomes Project 0.00020; 1000 Genomes Project 30x 0.00031.
gnomAD v4.1: 136 of 1,613,910 alleles (0.0084%); highest among the groups gnomAD compares: Non-Finnish European, 0.01%; no homozygotes.

Submissions (8):

Labcorp Genetics (formerly Invitae), Labcorp
Classification: Likely benign for Ehlers-Danlos syndrome, classic type, 1. Last evaluated: 2026-01-16. Review status: criteria provided, single submitter. Criteria: Invitae Variant Classification Sherloc (09022015). Collection method: clinical testing. Allele origin: germline.

GeneDx
Classification: Uncertain significance. Last evaluated: 2025-10-27. Review status: criteria provided, single submitter. Criteria: GeneDx Variant Classification Process June 2021. Collection method: clinical testing. Allele origin: germline. Affected: yes.
Comment: Has not been previously published as pathogenic or benign to our knowledge; In silico analysis supports that this missense variant has a deleterious effect on protein structure/function

Blueprint Genetics
Classification: Likely benign. Last evaluated: 2024-09-03. Review status: criteria provided, single submitter. Criteria: ACMG Guidelines, 2015. Collection method: clinical testing. Allele origin: germline.

Ambry Genetics
Classification: Uncertain significance for Familial thoracic aortic aneurysm and aortic dissection. Last evaluated: 2024-06-21. Review status: criteria provided, single submitter. Criteria: Ambry Variant Classification Scheme 2023. Collection method: clinical testing. Allele origin: germline.
Comment: The p.R1060W variant (also known as c.3178C>T), located in coding exon 45 of the COL5A2 gene, results from a C to T substitution at nucleotide position 3178. The arginine at codon 1060 is replaced by tryptophan, an amino acid with dissimilar properties. This amino acid position is well conserved in available vertebrate species. In addition, the in silico prediction for this alteration is inconclusive. Based on the available evidence, the clinical significance of this variant remains unclear.

Clinical Genetics Laboratory, Skane University Hospital Lund
Classification: Uncertain significance. Last evaluated: 2022-05-27. Review status: criteria provided, single submitter. Criteria: ACMG Guidelines, 2015. Collection method: clinical testing. Allele origin: germline. Affected: yes.

Fulgent Genetics
Classification: Uncertain significance for Ehlers-Danlos syndrome, classic type, 2. Last evaluated: 2021-11-12. Review status: criteria provided, single submitter. Criteria: ACMG Guidelines, 2015. Collection method: clinical testing. Allele origin: unknown.

Mayo Clinic Laboratories, Mayo Clinic
Classification: Uncertain significance. Last evaluated: 2019-09-10. Review status: criteria provided, single submitter. Criteria: ACMG Guidelines, 2015. Collection method: clinical testing. Allele origin: germline. Observed: 2 variant alleles.

Centre for Mendelian Genomics, University Medical Centre Ljubljana
Classification: Uncertain significance for Ehlers-Danlos syndrome, classic type, 2. Last evaluated: 2019-03-01. Review status: criteria provided, single submitter. Criteria: ACMG Guidelines, 2015. Collection method: clinical testing. Allele origin: unknown. Affected: yes.
Comment: This variant was classified as: Uncertain significance. The available evidence on this variant's pathogenicity is insufficient or conflicting. The following ACMG criteria were applied in classifying this variant: PP3.

NM_000393.5(COL5A2):c.3178C>T (p.Arg1060Trp)

Gene: COL5A2 (collagen type V alpha 2 chain; minus strand). Cytogenetic location: 2q32.2.
Variant type: single nucleotide variant.
Coding change: c.3178C>T on transcript NM_000393.5 (MANE Select); coding-DNA position 3178, C replaced by T.
Protein change: p.Arg1060Trp; replaces arginine 1060 with tryptophan.
Molecular consequence: missense variant.
Genome position (GRCh38, 1-based): chr2:189,048,232, G>A on the plus strand (C>T on the coding strand, the complement: COL5A2 is on the minus strand). VCF-style: chr2-189048232-G-A. GRCh37 (hg19) VCF-style: chr2-189912958-G-A.
Other names: p.R1060W:CGG>TGG; short protein forms R1060W.
Identifiers: ClinVar variation 213114 (VCV000213114.38), dbSNP rs374549843, ClinGen allele CA322000.